The following is an entry in ClinVar:

ClinVar aggregate classification (germline): Uncertain significance (1 of 4 stars; one submission).

Allele frequency attached by ClinVar (database versions not stated): gnomAD exomes below 0.00001; gnomAD 0.00001; TOPMed 0.00001.
gnomAD v4.1: 6 of 1,597,718 alleles (0.00038%); highest among the groups gnomAD compares: East Asian, 0.0022%; no homozygotes.

Submission:

Mayo Clinic Laboratories, Mayo Clinic
Classification: Uncertain significance. Last evaluated: 2023-04-07. Review status: criteria provided, single submitter. Criteria: ACMG Guidelines, 2015. Collection method: clinical testing. Allele origin: germline. Observed: 2 variant alleles.
Comment: PM2_supporting

Literature cited by the submitters: PubMed 22383692.

NM_001009944.3(PKD1):c.7301G>A (p.Arg2434Gln)

Gene: PKD1 (polycystin 1, transient receptor potential channel interacting; minus strand). Cytogenetic location: 16p13.3.
Variant type: single nucleotide variant.
Coding change: c.7301G>A on transcript NM_001009944.3 (MANE Select); coding-DNA position 7301, G replaced by A.
Protein change: p.Arg2434Gln; replaces arginine 2434 with glutamine.
Molecular consequence: missense variant.
Genome position (GRCh38, 1-based): chr16:2,106,586, C>T on the plus strand (G>A on the coding strand, the complement: PKD1 is on the minus strand). VCF-style: chr16-2106586-C-T. GRCh37 (hg19) VCF-style: chr16-2156587-C-T.
Other names: p.Arg2434Gln; c.7301G>A, p.Arg2434Gln (NM_000296.4); short protein forms R2434Q.
Identifiers: ClinVar variation 2683334 (VCV002683334.1), dbSNP rs1378061755, ClinGen allele CA394370339.